The following is an entry in ClinVar:

ClinVar aggregate classification (germline): Uncertain significance. Review status: criteria provided, multiple submitters, no conflicts (2 of 4 stars). 3 submissions from 3 submitters: Uncertain significance (3). Last evaluated 2026-03-03.

Conditions:
EFTUD2-related disorder. Also called: EFTUD2-related condition.

Allele frequency attached by ClinVar (database versions not stated): gnomAD exomes below 0.00001.
gnomAD v4.1: 4 of 1,614,204 alleles (0.00025%); highest among the groups gnomAD compares: Non-Finnish European, 0.00034%; no homozygotes.

Submissions (3):

PreventionGenetics, part of Exact Sciences
Classification: Uncertain significance for EFTUD2-related condition. Last evaluated: 2026-03-03. Review status: criteria provided, single submitter. Criteria: ACMG Guidelines, 2015. Collection method: clinical testing. Allele origin: germline.
Comment: The EFTUD2 c.1849C>G variant is predicted to result in the amino acid substitution p.Leu617Val. To our knowledge, this variant has not been reported in the literature or in a large population database (gnomAD), indicating this variant is rare. At this time, the clinical significance of this variant is uncertain due to the absence of conclusive functional and genetic evidence.

Labcorp Genetics (formerly Invitae), Labcorp
Classification: Uncertain significance. Last evaluated: 2023-07-07. Review status: criteria provided, single submitter. Criteria: Invitae Variant Classification Sherloc (09022015). Collection method: clinical testing. Allele origin: germline.
Comment: This variant has not been reported in the literature in individuals affected with EFTUD2-related conditions. In summary, the available evidence is currently insufficient to determine the role of this variant in disease. Therefore, it has been classified as a Variant of Uncertain Significance. Advanced modeling of protein sequence and biophysical properties (such as structural, functional, and spatial information, amino acid conservation, physicochemical variation, residue mobility, and thermodynamic stability) performed at Invitae indicates that this missense variant is not expected to disrupt EFTUD2 protein function. ClinVar contains an entry for this variant (Variation ID: 451890). This variant is not present in population databases (gnomAD no frequency). This sequence change replaces leucine, which is neutral and non-polar, with valine, which is neutral and non-polar, at codon 617 of the EFTUD2 protein (p.Leu617Val).

GeneDx
Classification: Uncertain significance. Last evaluated: 2020-05-08. Review status: criteria provided, single submitter. Criteria: GeneDx Variant Classification Process June 2021. Collection method: clinical testing. Allele origin: germline. Affected: yes.
Comment: Not observed in large population cohorts (Lek et al., 2016); In silico analysis supports that this missense variant does not alter protein structure/function; Has not been previously published as pathogenic or benign to our knowledge

NM_004247.4(EFTUD2):c.1849C>G (p.Leu617Val)

Gene: EFTUD2 (elongation factor Tu GTP binding domain containing 2; minus strand). Cytogenetic location: 17q21.31.
Variant type: single nucleotide variant.
Coding change: c.1849C>G on transcript NM_004247.4 (MANE Select); coding-DNA position 1849, C replaced by G.
Protein change: p.Leu617Val; replaces leucine 617 with valine.
Molecular consequence: missense variant.
Genome position (GRCh38, 1-based): chr17:44,859,916, G>C on the plus strand (C>G on the coding strand, the complement: EFTUD2 is on the minus strand). VCF-style: chr17-44859916-G-C. GRCh37 (hg19) VCF-style: chr17-42937284-G-C.
Other names: c.1744C>G, p.Leu582Val (NM_001142605.2); c.1849C>G, p.Leu617Val (NM_001258353.2); c.1819C>G, p.Leu607Val (NM_001258354.2); short protein forms L617V, L582V, L607V.
Identifiers: ClinVar variation 451890 (VCV000451890.7), dbSNP rs1555565353, ClinGen allele CA399811730.